The following is an entry in ClinVar:

ClinVar aggregate classification (germline): Pathogenic (1 of 4 stars; one submission).

Submission:

GeneDx
Classification: Pathogenic. Last evaluated: 2025-04-09. Review status: criteria provided, single submitter. Criteria: GeneDx Variant Classification Process June 2021. Collection method: clinical testing. Allele origin: germline. Affected: yes.
Comment: Not observed at significant frequency in large population cohorts (gnomAD); In silico analysis supports that this missense variant has a deleterious effect on protein structure/function; Has not been previously published as pathogenic or benign to our knowledge

NM_000280.6(PAX6):c.143T>C (p.Val48Ala)

Gene: PAX6 (paired box 6; minus strand). Cytogenetic location: 11p13.
Variant type: single nucleotide variant.
Coding change: c.143T>C on transcript NM_000280.6; coding-DNA position 143, T replaced by C.
Protein change: p.Val48Ala; replaces valine 48 with alanine.
Genome position (GRCh38, 1-based): chr11:31,801,775, A>G on the plus strand (T>C on the coding strand, the complement: PAX6 is on the minus strand). VCF-style: chr11-31801775-A-G. GRCh37 (hg19) VCF-style: chr11-31823323-A-G.
Other names: c.143T>C, p.Val48Ala (NM_001127612.3, NM_001258464.2, NM_001258465.3 and 10 more transcripts); c.185T>C, p.Val62Ala (NM_001258462.3, NM_001258463.2, NM_001310158.2 and 14 more transcripts); c.-597T>C (NM_001310160.2, NM_001368902.2, NM_001368905.2); c.-266T>C (NM_001310161.3, NM_001368899.2, NM_001368900.2 and 8 more transcripts); c.386T>C, p.Val129Ala (NM_001368910.2); c.188T>C, p.Val63Ala (NM_001368911.2); c.260T>C, p.Val87Ala (NM_001368918.2, NM_001368919.2); c.218T>C, p.Val73Ala (NM_001368920.2); short protein forms V129A, V48A, V62A, V63A, V73A, V87A.
Identifiers: ClinVar variation 1691773 (VCV001691773.4), dbSNP rs2135101631, ClinGen allele CA379959141.
Genomic context (GRCh38, chr11:31,801,775, plus strand): 5'-GGTCTGATGGAGCCAGTCTCGTAATACCTGCCCAGAATTTTACTCACACATCCGTTGGAC[A>G]CCTGCATAGGGGAAGTGGACAGAAAACCACATTATTAATAATTTCAAGACAAAAATAAAA-3'